The following is an entry in ClinVar:

NM_001927.4(DES):c.386T>G (p.Leu129Arg)

Gene: DES (desmin; plus strand). Cytogenetic location: 2q35.
Variant type: single nucleotide variant.
Coding change: c.386T>G on transcript NM_001927.4 (MANE Select); coding-DNA position 386, T replaced by G.
Protein change: p.Leu129Arg; replaces leucine 129 with arginine.
Molecular consequence: missense variant.
Genome position (GRCh38, 1-based): chr2:219,418,848, T>G. VCF-style: chr2-219418848-T-G. GRCh37 (hg19) VCF-style: chr2-220283570-T-G.
Other names: c.386T>G, p.Leu129Arg (NM_001382708.1, NM_001382709.1, NM_001382710.1 and 3 more transcripts); short protein forms L129R.
Identifiers: ClinVar variation 1377133 (VCV001377133.8), dbSNP rs1954374163, ClinGen allele CA350685782.

ClinVar aggregate classification (germline): Uncertain significance (1 of 4 stars; one submission).

Conditions:
Desmin-related myofibrillar myopathy (MFM1). Also called: Desminopathy; Desmin related myopathy (former name); Desmin storage myopathy (former name); Myofibrillar myopathy 1; MYOFIBRILLAR MYOPATHY WITH ARRHYTHMOGENIC RIGHT VENTRICULAR CARDIOMYOPATHY; DESMIN-RELATED MYOPATHY WITH ARRHYTHMOGENIC RIGHT VENTRICULAR CARDIOMYOPATHY. Identifiers: Orphanet 363543, Orphanet 98909, MedGen C1832370, MONDO:0011076, OMIM 601419.

Allele frequency attached by ClinVar (database versions not stated): TOPMed below 0.00001.

Submission:

Labcorp Genetics (formerly Invitae), Labcorp
Classification: Uncertain significance for Desmin-related myofibrillar myopathy. Last evaluated: 2022-07-05. Review status: criteria provided, single submitter. Criteria: Invitae Variant Classification Sherloc (09022015). Collection method: clinical testing. Allele origin: germline.
Comment: In summary, the available evidence is currently insufficient to determine the role of this variant in disease. Therefore, it has been classified as a Variant of Uncertain Significance. Algorithms developed to predict the effect of missense changes on protein structure and function are either unavailable or do not agree on the potential impact of this missense change (SIFT: "Deleterious"; PolyPhen-2: "Probably Damaging"; Align-GVGD: "Class C0"). ClinVar contains an entry for this variant (Variation ID: 1377133). This variant has not been reported in the literature in individuals affected with DES-related conditions. This variant is not present in population databases (gnomAD no frequency). This sequence change replaces leucine, which is neutral and non-polar, with arginine, which is basic and polar, at codon 129 of the DES protein (p.Leu129Arg).